The following is an entry in ClinVar:

ClinVar aggregate classification (germline): Uncertain significance. Review status: criteria provided, multiple submitters, no conflicts (2 of 4 stars). 2 submissions from 2 submitters: Uncertain significance (2). Last evaluated 2025-08-23.

Conditions:
Cardiovascular phenotype. Identifiers: MedGen CN230736.
Long QT syndrome (LQTS). Identifiers: MedGen C0023976, MeSH D008133, MONDO:0002442. Disease mechanism: loss of function. Inheritance: Various modes of inheritance.

gnomAD v4.1: 1 of 1,612,904 alleles (0.000062%); highest among the groups gnomAD compares: Non-Finnish European, 0.000085%; no homozygotes.

Submissions (2):

Ambry Genetics
Classification: Uncertain significance for Cardiovascular phenotype. Last evaluated: 2025-08-23. Review status: criteria provided, single submitter. Criteria: Ambry Variant Classification Scheme 2023. Collection method: clinical testing. Allele origin: germline.

Labcorp Genetics (formerly Invitae), Labcorp
Classification: Uncertain significance for Long QT syndrome. Last evaluated: 2022-04-15. Review status: criteria provided, single submitter. Criteria: Invitae Variant Classification Sherloc (09022015). Collection method: clinical testing. Allele origin: germline.
Comment: In summary, the available evidence is currently insufficient to determine the role of this variant in disease. Therefore, it has been classified as a Variant of Uncertain Significance. Algorithms developed to predict the effect of missense changes on protein structure and function are either unavailable or do not agree on the potential impact of this missense change (SIFT: "Tolerated"; PolyPhen-2: "Probably Damaging"; Align-GVGD: "Class C0"). This variant has not been reported in the literature in individuals affected with AKAP9-related conditions. This variant is not present in population databases (gnomAD no frequency). This sequence change replaces arginine, which is basic and polar, with lysine, which is basic and polar, at codon 1591 of the AKAP9 protein (p.Arg1591Lys).

NM_005751.5(AKAP9):c.4772G>A (p.Arg1591Lys)

Gene: AKAP9 (A-kinase anchoring protein 9; plus strand). Cytogenetic location: 7q21.2.
Variant type: single nucleotide variant.
Coding change: c.4772G>A on transcript NM_005751.5 (MANE Select); coding-DNA position 4772, G replaced by A.
Protein change: p.Arg1591Lys; replaces arginine 1591 with lysine.
Molecular consequence: missense variant.
Genome position (GRCh38, 1-based): chr7:92,040,753, G>A. VCF-style: chr7-92040753-G-A. GRCh37 (hg19) VCF-style: chr7-91670067-G-A.
Other names: c.4772G>A, p.Arg1591Lys (NM_147185.3); short protein forms R1591K.
Identifiers: ClinVar variation 1900937 (VCV001900937.6), dbSNP rs2484815643, ClinGen allele CA368129537.